The following is an entry in ClinVar:

NM_000256.3(MYBPC3):c.3471dup (p.Val1158fs)

Gene: MYBPC3 (myosin binding protein C3; minus strand). Cytogenetic location: 11p11.2.
Variant type: Duplication.
Coding change: c.3471dup on transcript NM_000256.3 (MANE Select); coding-DNA position 3471, one base duplicated (C; older notation c.3471dupC).
Protein change: p.Val1158fs; shifts the reading frame from valine 1158.
Molecular consequence: frameshift variant.
Genome position (GRCh38, 1-based): chr11:47,332,833, G duplicated on the plus strand (C on the coding strand, the reverse complement: MYBPC3 is on the minus strand); the first of 3 consecutive G bases (chr11:47,332,833-47,332,835); duplicating any one gives the same sequence. VCF-style (leftmost placement, unchanged base first): chr11-47332832-C-CG. GRCh37 (hg19) VCF-style: chr11-47354383-C-CG.
Other names: c.3471dupC (NM_000256.3); short protein forms V1158fs.
Identifiers: ClinVar variation 2442969 (VCV002442969.4), dbSNP rs2495738531, ClinGen allele CA2580084214.

ClinVar aggregate classification (germline): Pathogenic. Review status: criteria provided, multiple submitters, no conflicts (2 of 4 stars). 2 submissions from 2 submitters: Pathogenic (2). Last evaluated 2025-03-04.

Conditions:
Cardiomyopathy (CMYO). Also called: Cardiomyopathies. Identifiers: Orphanet 167848, MedGen C0878544, MONDO:0004994, HP:0001638. Inheritance: Various modes of inheritance.
Cardiovascular phenotype. Identifiers: MedGen CN230736.

Submissions (2):

Ambry Genetics
Classification: Pathogenic for Cardiovascular phenotype. Last evaluated: 2025-03-04. Review status: criteria provided, single submitter. Criteria: Ambry Variant Classification Scheme 2023. Collection method: clinical testing. Allele origin: germline.
Comment: The c.3471dupC pathogenic mutation, located in coding exon 31 of the MYBPC3 gene, results from a duplication of C at nucleotide position 3471, causing a translational frameshift with a predicted alternate stop codon (p.V1158Rfs*11). This variant has been reported in hypertrophic cardiomyopathy (HCM), cardiomyopathy and biobank cohorts (Berge KE et al. Clin Genet, 2014 Oct;86:355-60; Jurgens SJ et al. Nat Genet, 2022 Mar;54:240-250; Akinrinade O et al. J Cardiovasc Transl Res, 2023 Dec;16:1287-1302). This variant is considered to be rare based on population cohorts in the Genome Aggregation Database (gnomAD). In addition to the clinical data presented in the literature, this alteration is expected to result in loss of function by premature protein truncation or nonsense-mediated mRNA decay. As such, this alteration is interpreted as a disease-causing mutation.

CHEO Genetics Diagnostic Laboratory, Children's Hospital of Eastern Ontario
Classification: Pathogenic for Cardiomyopathy. Last evaluated: 2022-07-07. Review status: criteria provided, single submitter. Criteria: ACMG Guidelines, 2015. Collection method: clinical testing. Allele origin: germline.

Literature cited by the submitters: PubMed 24111713 (cited by Ambry Genetics); PubMed 35177841 (cited by Ambry Genetics); PubMed 37477868 (cited by Ambry Genetics).